The following is an entry in ClinVar:

NM_207352.4(CYP4V2):c.2T>A (p.Met1Lys)

Genes: CYP4V2 (cytochrome P450 family 4 subfamily V member 2; plus strand), LOC129993526 (ATAC-STARR-seq lymphoblastoid silent region 15858; plus strand). Cytogenetic location: 4q35.1.
Variant type: single nucleotide variant.
Coding change: c.2T>A on transcript NM_207352.4 (MANE Select); coding-DNA position 2, T replaced by A.
Protein change: p.Met1Lys; changes the start codon (methionine 1).
Molecular consequence: missense variant, initiator codon variant.
Genome position (GRCh38, 1-based): chr4:186,191,825, T>A. VCF-style: chr4-186191825-T-A. GRCh37 (hg19) VCF-style: chr4-187112979-T-A.
Other names: short protein forms M1K.
Identifiers: ClinVar variation 4733955 (VCV004733955.1).

ClinVar aggregate classification (germline): Pathogenic (1 of 4 stars; one submission).

Submission:

Labcorp Genetics (formerly Invitae), Labcorp
Classification: Pathogenic. Last evaluated: 2025-12-23. Review status: criteria provided, single submitter. Criteria: Invitae Variant Classification Sherloc (09022015). Collection method: clinical testing. Allele origin: germline.
Comment: This sequence change affects the initiator codon of the CYP4V2 mRNA. This change may impact translation initiation or efficiency. The next in-frame methionine is located at codon 47. This variant is not present in population databases (gnomAD no frequency). This variant has not been reported in the literature in individuals affected with CYP4V2-related conditions. This variant disrupts a region of the CYP4V2 protein in which other variant(s) (p.Leu22His) have been determined to be pathogenic (PMID: 26971461). This suggests that this is a clinically significant region of the protein, and that variants that disrupt it are likely to be disease-causing. For these reasons, this variant has been classified as Pathogenic.

Literature cited by the submitters: PubMed 26971461.